The following is an entry in ClinVar:

ClinVar aggregate classification (germline): Uncertain significance. Review status: criteria provided, multiple submitters, no conflicts (2 of 4 stars). 3 submissions from 3 submitters: Uncertain significance (2). 1 of the submissions does not count toward it. Last evaluated 2023-06-05.

Conditions:
Retinitis pigmentosa (RP). Identifiers: Orphanet 791, MedGen C0035334, MeSH D012174, MONDO:0019200, OMIM 268000. Inheritance: Autosomal dominant, autosomal recessive and X linked inheritance.

Allele frequency attached by ClinVar (database versions not stated): gnomAD exomes below 0.00001; ExAC 0.00001.
gnomAD v4.1: 1 of 1,613,386 alleles (0.000062%); highest among the groups gnomAD compares: South Asian, 0.0011%; no homozygotes.

Submissions (3):

Labcorp Genetics (formerly Invitae), Labcorp
Classification: Uncertain significance. Last evaluated: 2023-06-05. Review status: criteria provided, single submitter. Criteria: Invitae Variant Classification Sherloc (09022015). Collection method: clinical testing. Allele origin: germline.
Comment: This missense change has been observed in individual(s) with retinitis pigmentosa (PMID: 30718709). ClinVar contains an entry for this variant (Variation ID: 636121). Advanced modeling of protein sequence and biophysical properties (such as structural, functional, and spatial information, amino acid conservation, physicochemical variation, residue mobility, and thermodynamic stability) performed at Invitae indicates that this missense variant is not expected to disrupt USH2A protein function. In summary, the available evidence is currently insufficient to determine the role of this variant in disease. Therefore, it has been classified as a Variant of Uncertain Significance. This variant is present in population databases (rs750077857, gnomAD 0.003%). This sequence change replaces valine, which is neutral and non-polar, with alanine, which is neutral and non-polar, at codon 1670 of the USH2A protein (p.Val1670Ala).

Blueprint Genetics
Classification: Uncertain significance. Last evaluated: 2017-08-03. Review status: criteria provided, single submitter. Criteria: ACMG Guidelines, 2015. Collection method: clinical testing. Allele origin: germline.

Department of Clinical Genetics, Copenhagen University Hospital, Rigshospitalet
Classification: Likely pathogenic for Retinitis pigmentosa. Last evaluated: 2018-04-01. Review status: no assertion criteria provided. Collection method: research. Allele origin: unknown. Affected: yes. Study: VeluxRD. Not counted in ClinVar's aggregate classification.

Literature cited by the submitters: PubMed 30718709 (cited by Labcorp Genetics (formerly Invitae), Labcorp and Department of Clinical Genetics, Copenhagen University Hospital, Rigshospitalet).

NM_206933.4(USH2A):c.5009T>C (p.Val1670Ala)

Genes: USH2A (usherin; minus strand), USH2A-AS2 (USH2A antisense RNA 2; plus strand). Cytogenetic location: 1q41.
Variant type: single nucleotide variant.
Coding change: c.5009T>C on transcript NM_206933.4 (MANE Select); coding-DNA position 5009, T replaced by C.
Protein change: p.Val1670Ala; replaces valine 1670 with alanine.
Molecular consequence: missense variant.
Genome position (GRCh38, 1-based): chr1:216,084,856, A>G on the plus strand (T>C on the coding strand, the complement: USH2A is on the minus strand). VCF-style: chr1-216084856-A-G. GRCh37 (hg19) VCF-style: chr1-216258198-A-G.
Other names: short protein forms V1670A.
Identifiers: ClinVar variation 636121 (VCV000636121.6), dbSNP rs750077857, ClinGen allele CA1395554.